The following is an entry in ClinVar:

ClinVar aggregate classification (germline): Uncertain significance (1 of 4 stars; one submission).

Conditions:
Hereditary cancer-predisposing syndrome. Also called: Neoplastic Syndromes, Hereditary; Tumor predisposition; Hereditary Cancer Syndrome; Hereditary neoplastic syndrome. Identifiers: Orphanet 140162, MedGen C0027672, MeSH D009386, MONDO:0015356.

Submission:

Ambry Genetics
Classification: Uncertain significance for Hereditary cancer-predisposing syndrome. Last evaluated: 2022-05-23. Review status: criteria provided, single submitter. Criteria: Ambry Variant Classification Scheme 2023. Collection method: clinical testing. Allele origin: germline.
Comment: The p.S716R variant (also known as c.2148C>A), located in coding exon 12 of the ALK gene, results from a C to A substitution at nucleotide position 2148. The serine at codon 716 is replaced by arginine, an amino acid with dissimilar properties. This amino acid position is conserved. In addition, this alteration is predicted to be tolerated by in silico analysis. Since supporting evidence is limited at this time, the clinical significance of this alteration remains unclear.

NM_004304.5(ALK):c.2148C>A (p.Ser716Arg)

Gene: ALK (ALK receptor tyrosine kinase; minus strand). Cytogenetic location: 2p23.2.
Variant type: single nucleotide variant.
Coding change: c.2148C>A on transcript NM_004304.5 (MANE Select); coding-DNA position 2148, C replaced by A.
Protein change: p.Ser716Arg; replaces serine 716 with arginine.
Molecular consequence: missense variant.
Genome position (GRCh38, 1-based): chr2:29,251,161, G>T on the plus strand (C>A on the coding strand, the complement: ALK is on the minus strand). VCF-style: chr2-29251161-G-T. GRCh37 (hg19) VCF-style: chr2-29474027-G-T.
Other names: short protein forms S716R.
Identifiers: ClinVar variation 1786670 (VCV001786670.2), dbSNP rs55733526, ClinGen allele CA346476871.